The following is an entry in ClinVar:

ClinVar aggregate classification (germline): Benign/Likely benign. Review status: criteria provided, multiple submitters, no conflicts (2 of 4 stars). 5 submissions from 5 submitters: Benign (1); Likely benign (4). Last evaluated 2026-01-27.

Conditions:
Frank-Ter Haar syndrome. Also called: Borrone di Rocco Crovato syndrome; TER HAAR SYNDROME; MELNICK-NEEDLES SYNDROME, AUTOSOMAL RECESSIVE; BORRONE DERMATOCARDIOSKELETAL SYNDROME. Identifiers: Orphanet 1266, Orphanet 137834, MedGen C1855305, MONDO:0009579, OMIM 249420.

Allele frequency attached by ClinVar (database versions not stated): gnomAD exomes 0.00094 and 0.00248; ExAC 0.00317; gnomAD 0.00995 and 0.01063; ESP Exome Variant Server 0.01099; TOPMed 0.01186; 1000 Genomes Project 0.01398; 1000 Genomes Project 30x 0.01437.
gnomAD v4.1: 2,940 of 1,614,176 alleles (0.18%); highest among the groups gnomAD compares: African/African-American, 3.5%; 56 homozygotes.

Submissions (5):

Labcorp Genetics (formerly Invitae), Labcorp
Classification: Benign. Last evaluated: 2026-01-27. Review status: criteria provided, single submitter. Criteria: Invitae Variant Classification Sherloc (09022015). Collection method: clinical testing. Allele origin: germline.

GeneDx
Classification: Likely benign. Last evaluated: 2023-08-25. Review status: criteria provided, single submitter. Criteria: GeneDx Variant Classification Process June 2021. Collection method: clinical testing. Allele origin: germline. Affected: yes.
Comment: See Variant Classification Assertion Criteria.

Illumina Laboratory Services, Illumina
Classification: Likely benign for Frank-Ter Haar syndrome. Last evaluated: 2017-04-27. Review status: criteria provided, single submitter. Criteria: ICSL Variant Classification Criteria 13 December 2019. Collection method: clinical testing. Allele origin: germline.
Comment: This variant was observed as part of a predisposition screen in an ostensibly healthy population. A literature search was performed for the gene, cDNA change, and amino acid change (where applicable). No publications were found based on this search. Allele frequency data from public databases allowed determination this variant is unlikely to cause disease. Therefore, this variant is classified as likely benign.

Center for Pediatric Genomic Medicine, Children's Mercy Hospital and Clinics
Classification: Likely benign. Last evaluated: 2017-01-09. Review status: criteria provided, single submitter. Criteria: ACMG Guidelines, 2015. Collection method: clinical testing. Allele origin: germline.
ClinVar note: Converted during submission from Likely Benign to Likely benign.

Breakthrough Genomics
Classification: Likely benign. Review status: criteria provided, single submitter. Criteria: ACMG Guidelines, 2015. Collection method: not provided. Allele origin: germline. Inheritance: Autosomal recessive inheritance. Affected: yes.

NM_001017995.3(SH3PXD2B):c.2477C>T (p.Pro826Leu)

Gene: SH3PXD2B (SH3 and PX domains 2B; minus strand). Cytogenetic location: 5q35.1.
Variant type: single nucleotide variant.
Coding change: c.2477C>T on transcript NM_001017995.3 (MANE Select); coding-DNA position 2477, C replaced by T.
Protein change: p.Pro826Leu; replaces proline 826 with leucine.
Molecular consequence: missense variant. On other transcripts: intron variant (1).
Genome position (GRCh38, 1-based): chr5:172,338,628, G>A on the plus strand (C>T on the coding strand, the complement: SH3PXD2B is on the minus strand). VCF-style: chr5-172338628-G-A. GRCh37 (hg19) VCF-style: chr5-171765632-G-A.
Other names: c.1188+7508C>T (NM_001308175.2); short protein forms P826L.
Identifiers: ClinVar variation 352801 (VCV000352801.22), dbSNP rs73317796, ClinGen allele CA3560953.